The following is an entry in ClinVar:

ClinVar aggregate classification (germline): Uncertain significance (1 of 4 stars; one submission).

Submission:

Labcorp Genetics (formerly Invitae), Labcorp
Classification: Uncertain significance. Last evaluated: 2022-04-24. Review status: criteria provided, single submitter. Criteria: Invitae Variant Classification Sherloc (09022015). Collection method: clinical testing. Allele origin: germline.
Comment: This sequence change replaces alanine, which is neutral and non-polar, with glutamic acid, which is acidic and polar, at codon 16 of the PTH protein (p.Ala16Glu). This variant is not present in population databases (gnomAD no frequency). In summary, the available evidence is currently insufficient to determine the role of this variant in disease. Therefore, it has been classified as a Variant of Uncertain Significance. Algorithms developed to predict the effect of missense changes on protein structure and function are either unavailable or do not agree on the potential impact of this missense change (SIFT: "Not Available"; PolyPhen-2: "Possibly Damaging"; Align-GVGD: "Not Available"). This variant has not been reported in the literature in individuals affected with PTH-related conditions.

NM_000315.4(PTH):c.47C>A (p.Ala16Glu)

Gene: PTH (parathyroid hormone; minus strand). Cytogenetic location: 11p15.3.
Variant type: single nucleotide variant.
Coding change: c.47C>A on transcript NM_000315.4 (MANE Select); coding-DNA position 47, C replaced by A.
Protein change: p.Ala16Glu; replaces alanine 16 with glutamic acid.
Molecular consequence: missense variant.
Genome position (GRCh38, 1-based): chr11:13,492,809, G>T on the plus strand (C>A on the coding strand, the complement: PTH is on the minus strand). VCF-style: chr11-13492809-G-T. GRCh37 (hg19) VCF-style: chr11-13514356-G-T.
Other names: c.143C>A, p.Ala48Glu (NM_001316352.2); short protein forms A16E, A48E.
Identifiers: ClinVar variation 2130275 (VCV002130275.4), dbSNP rs2499940358, ClinGen allele CA379724970.